The following is an entry in ClinVar:

NM_001082971.2(DDC):c.238T>C (p.Phe80Leu)

Genes: DDC (dopa decarboxylase; minus strand), DDC-AS1 (DDC antisense RNA 1; plus strand). Cytogenetic location: 7p12.1.
Variant type: single nucleotide variant.
Coding change: c.238T>C on transcript NM_001082971.2 (MANE Select); coding-DNA position 238, T replaced by C.
Protein change: p.Phe80Leu; replaces phenylalanine 80 with leucine.
Molecular consequence: missense variant. On other transcripts: non-coding transcript variant (1), intron variant (2).
Genome position (GRCh38, 1-based): chr7:50,539,992, A>G on the plus strand (T>C on the coding strand, the complement: DDC is on the minus strand). VCF-style: chr7-50539992-A-G. GRCh37 (hg19) VCF-style: chr7-50607690-A-G.
Other names: c.238T>C, p.Phe80Leu (NM_000790.4, NM_001242887.2, NM_001242889.2 and 1 more transcripts); c.201+3893T>C (NM_001242888.2); c.202-2013T>C (NM_001242886.2); short protein forms F80L.
Identifiers: ClinVar variation 2073441 (VCV002073441.4), dbSNP rs2535490774, ClinGen allele CA367529821.

ClinVar aggregate classification (germline): Uncertain significance (1 of 4 stars; one submission).

Conditions:
Deficiency of aromatic-L-amino-acid decarboxylase. Also called: AADC DEFICIENCY; DDC DEFICIENCY; DOPA DECARBOXYLASE DEFICIENCY; Aromatic amino acid decarboxylase deficiency; Aromatic L-Amino Acid Decarboxylase Deficiency. Identifiers: Orphanet 35708, MedGen C1291564, MONDO:0012084, OMIM 608643.

Allele frequency attached by ClinVar (database versions not stated): gnomAD exomes below 0.00001.
gnomAD v4.1: 1 of 1,613,868 alleles (0.000062%); highest among the groups gnomAD compares: Non-Finnish European, 0.000085%; no homozygotes.

Submission:

Labcorp Genetics (formerly Invitae), Labcorp
Classification: Uncertain significance for Deficiency of aromatic-L-amino-acid decarboxylase. Last evaluated: 2024-10-22. Review status: criteria provided, single submitter. Criteria: Invitae Variant Classification Sherloc (09022015). Collection method: clinical testing. Allele origin: germline.
Comment: This sequence change replaces phenylalanine, which is neutral and non-polar, with leucine, which is neutral and non-polar, at codon 80 of the DDC protein (p.Phe80Leu). This variant is not present in population databases (gnomAD no frequency). This variant has not been reported in the literature in individuals affected with DDC-related conditions. ClinVar contains an entry for this variant (Variation ID: 2073441). Invitae Evidence Modeling of protein sequence and biophysical properties (such as structural, functional, and spatial information, amino acid conservation, physicochemical variation, residue mobility, and thermodynamic stability) indicates that this missense variant is not expected to disrupt DDC protein function with a negative predictive value of 80%. In summary, the available evidence is currently insufficient to determine the role of this variant in disease. Therefore, it has been classified as a Variant of Uncertain Significance.